The following is an entry in ClinVar:

NM_000038.6(APC):c.1743+2158G>T

Gene: APC (APC regulator of WNT signaling pathway; plus strand). Cytogenetic location: 5q22.2.
Variant type: single nucleotide variant.
Coding change: c.1743+2158G>T on transcript NM_000038.6 (MANE Select); 2158 bases into the intron after coding-DNA position 1743, G replaced by T.
Molecular consequence: intron variant.
Genome position (GRCh38, 1-based): chr5:112,831,130, G>T. VCF-style: chr5-112831130-G-T. GRCh37 (hg19) VCF-style: chr5-112166827-G-T.
Other names: c.1743+2158G>T (NM_001354895.2, NM_001127510.3); c.1773+2158G>T (NM_001354897.2); c.1470+2158G>T (NM_001354902.2); c.1689+2158G>T (NM_001127511.3); c.1668+2158G>T (NM_001354898.2); c.1365+2158G>T (NM_001354904.2); c.894+2158G>T (NM_001354906.2); c.1797+2158G>T (NM_001354896.2); and 5 more.
Identifiers: ClinVar variation 83180 (VCV000083180.2), dbSNP rs79434877, ClinGen allele CA005602.

ClinVar aggregate classification (germline): other (0 of 4 stars; one submission).

Conditions:
Familial colorectal cancer. Identifiers: MedGen CN280943, MONDO:0023113. Disease mechanism: loss of function.

Allele frequency attached by ClinVar (database versions not stated): TOPMed below 0.00001.

Submission:

Systems Biology Platform Zhejiang California International NanoSystems Institute
Classification: other for Familial colorectal cancer. Review status: no assertion criteria provided. Collection method: not provided. Allele origin: unknown.
ClinVar note: Converted during submission from cancer to other.